The following is an entry in ClinVar:

ClinVar aggregate classification (germline): Benign/Likely benign. Review status: criteria provided, multiple submitters, no conflicts (2 of 4 stars). 5 submissions from 5 submitters: Benign (4); Likely benign (1). Last evaluated 2026-02-04.

Conditions:
Glanzmann thrombasthenia. Also called: PLATELET GLYCOPROTEIN IIb-IIIa DEFICIENCY; THROMBASTHENIA OF GLANZMANN AND NAEGELI; Glanzmann's thrombasthenia; Thrombasthenia. Identifiers: Orphanet 849, MedGen C0040015, MONDO:0100326.

Allele frequency attached by ClinVar (database versions not stated): 1000 Genomes Project 30x 0.00953; 1000 Genomes Project 0.01118; TOPMed 0.01808; gnomAD 0.02266 and 0.02354; ESP Exome Variant Server 0.02269; gnomAD exomes 0.02611 and 0.02852; ExAC 0.02845.
gnomAD v4.1: 44,812 of 1,607,138 alleles (2.8%); highest among the groups gnomAD compares: Middle Eastern, 4%; 819 homozygotes.

Submissions (5):

Labcorp Genetics (formerly Invitae), Labcorp
Classification: Benign for Glanzmann thrombasthenia. Last evaluated: 2026-02-04. Review status: criteria provided, single submitter. Criteria: Invitae Variant Classification Sherloc (09022015). Collection method: clinical testing. Allele origin: germline.

Blueprint Genetics
Classification: Likely benign. Last evaluated: 2024-11-28. Review status: criteria provided, single submitter. Criteria: ACMG Guidelines, 2015. Collection method: clinical testing. Allele origin: germline.

Illumina Laboratory Services, Illumina
Classification: Benign for Glanzmann thrombasthenia 1. Last evaluated: 2018-01-13. Review status: criteria provided, single submitter. Criteria: ICSL Variant Classification Criteria 13 December 2019. Collection method: clinical testing. Allele origin: germline.
Comment: This variant was observed in the ICSL laboratory as part of a predisposition screen in an ostensibly healthy population. It had not been previously curated by ICSL or reported in the Human Gene Mutation Database (HGMD: prior to June 1st, 2018), and was therefore a candidate for classification through an automated scoring system. Utilizing variant allele frequency, disease prevalence and penetrance estimates, and inheritance mode, an automated score was calculated to assess if this variant is too frequent to cause the disease. Based on the score and internal cut-off values, a variant classified as benign is not then subjected to further curation. The score for this variant resulted in a classification of benign for this disease.

Breakthrough Genomics
Classification: Benign. Review status: criteria provided, single submitter. Criteria: ACMG Guidelines, 2015. Collection method: not provided. Allele origin: germline. Inheritance: Autosomal recessive inheritance. Affected: yes.

PreventionGenetics, part of Exact Sciences
Classification: Benign. Review status: criteria provided, single submitter. Criteria: ACMG Guidelines, 2015. Collection method: clinical testing. Allele origin: germline.

NM_000419.5(ITGA2B):c.2094+13C>T

Gene: ITGA2B (integrin subunit alpha 2b; minus strand). Cytogenetic location: 17q21.31.
Variant type: single nucleotide variant.
Coding change: c.2094+13C>T on transcript NM_000419.5 (MANE Select); 13 bases into the intron after coding-DNA position 2094, C replaced by T.
Molecular consequence: intron variant.
Genome position (GRCh38, 1-based): chr17:44,378,349, G>A on the plus strand (C>T on the coding strand, the complement: ITGA2B is on the minus strand). VCF-style: chr17-44378349-G-A. GRCh37 (hg19) VCF-style: chr17-42455717-G-A.
Other names: c.2094+13C>T (LRG_479t1).
Identifiers: ClinVar variation 256038 (VCV000256038.12), dbSNP rs12938868, ClinGen allele CA8602834.
Genomic context (GRCh38, chr17:44,378,349, plus strand): 5'-GGAGGGAGATGAGAGAGCCAAGGCTCCAGTGCCTCCCAGGTCCCGGGTACTGTTCCCAGG[G>A]TGGGGGCCATACCTCGACATTGCTTAGGGCCCGCATGTAGTGGGCGCCCTGGGGCAGGTG-3'